The following is an entry in ClinVar:

NM_014425.5(INVS):c.1595T>C (p.Leu532Ser)

Gene: INVS (inversin; plus strand). Cytogenetic location: 9q31.1.
Variant type: single nucleotide variant.
Coding change: c.1595T>C on transcript NM_014425.5 (MANE Select); coding-DNA position 1595, T replaced by C.
Protein change: p.Leu532Ser; replaces leucine 532 with serine.
Molecular consequence: missense variant. On other transcripts: non-coding transcript variant (1).
Genome position (GRCh38, 1-based): chr9:100,272,887, T>C. VCF-style: chr9-100272887-T-C. GRCh37 (hg19) VCF-style: chr9-103035169-T-C.
Other names: c.1307T>C, p.Leu436Ser (NM_001318381.2); c.617T>C, p.Leu206Ser (NM_001318382.2); c.1595T>C (NM_014425.2); short protein forms L206S, L436S, L532S.
Identifiers: ClinVar variation 933866 (VCV000933866.10), dbSNP rs1446860684, ClinGen allele CA374238192.

ClinVar aggregate classification (germline): Uncertain significance. Review status: criteria provided, multiple submitters, no conflicts (2 of 4 stars). 4 submissions from 4 submitters: Uncertain significance (4). Last evaluated 2025-11-08.

Conditions:
Inborn genetic diseases. Identifiers: MedGen C0950123, MeSH D030342.
Nephronophthisis. Also called: Juvenile Nephronophthisis. Identifiers: Orphanet 655, MedGen C0687120, MONDO:0019005, HP:0000090.
Infantile nephronophthisis (NPHP2). Also called: Nephronophthisis 2; Nephronophthisis 2, infantile. Identifiers: Orphanet 655, Orphanet 93591, MedGen C1865872, MONDO:0011190, OMIM 602088.

Allele frequency attached by ClinVar (database versions not stated): gnomAD exomes 0.00001; TOPMed 0.00001.
gnomAD v4.1: 5 of 1,614,134 alleles (0.00031%); highest among the groups gnomAD compares: Admixed American, 0.0083%; no homozygotes.

Submissions (4):

Ambry Genetics
Classification: Uncertain significance for Inborn genetic diseases. Last evaluated: 2025-11-08. Review status: criteria provided, single submitter. Criteria: Ambry Variant Classification Scheme 2023. Collection method: clinical testing. Allele origin: germline.

Labcorp Genetics (formerly Invitae), Labcorp
Classification: Uncertain significance for Nephronophthisis. Last evaluated: 2025-10-01. Review status: criteria provided, single submitter. Criteria: Invitae Variant Classification Sherloc (09022015). Collection method: clinical testing. Allele origin: germline.
Comment: This sequence change replaces leucine, which is neutral and non-polar, with serine, which is neutral and polar, at codon 532 of the INVS protein (p.Leu532Ser). This variant is present in population databases (no rsID available, gnomAD 0.009%). This variant has not been reported in the literature in individuals affected with INVS-related conditions. ClinVar contains an entry for this variant (Variation ID: 933866). An algorithm developed to predict the effect of missense changes on protein structure and function (PolyPhen-2) suggests that this variant is likely to be disruptive. In summary, the available evidence is currently insufficient to determine the role of this variant in disease. Therefore, it has been classified as a Variant of Uncertain Significance.

Fulgent Genetics
Classification: Uncertain significance for Infantile nephronophthisis. Last evaluated: 2024-03-08. Review status: criteria provided, single submitter. Criteria: ACMG Guidelines, 2015. Collection method: clinical testing. Allele origin: germline.

Baylor Genetics
Classification: Uncertain significance for Infantile nephronophthisis. Last evaluated: 2019-05-01. Review status: criteria provided, single submitter. Criteria: ACMG Guidelines, 2015. Collection method: clinical testing. Allele origin: unknown. Affected: yes.
Comment: This variant was determined to be of uncertain significance according to ACMG Guidelines, 2015 [PMID:25741868].